The following is an entry in ClinVar:

ClinVar aggregate classification (germline): Pathogenic (1 of 4 stars; one submission).

Conditions:
Deficiency of ferroxidase (ACEP). Also called: Deficiency of ceruloplasmin; NEURODEGENERATION WITH BRAIN IRON ACCUMULATION 10; Ceruloplasmin deficiency; Familial apoceruloplasmin deficiency; Hereditary ceruloplasmin deficiency; Aceruloplasminemia. Identifiers: Orphanet 48818, MedGen C0878682, MONDO:0011426, OMIM 604290, HP:0025498.

Submission:

Labcorp Genetics (formerly Invitae), Labcorp
Classification: Pathogenic for Deficiency of ferroxidase. Last evaluated: 2022-02-22. Review status: criteria provided, single submitter. Criteria: Invitae Variant Classification Sherloc (09022015). Collection method: clinical testing. Allele origin: germline.
Comment: This variant has not been reported in the literature in individuals affected with CP-related conditions. For these reasons, this variant has been classified as Pathogenic. This variant is not present in population databases (gnomAD no frequency). This sequence change creates a premature translational stop signal (p.Trp383*) in the CP gene. It is expected to result in an absent or disrupted protein product. Loss-of-function variants in CP are known to be pathogenic (PMID: 16629161).

Literature cited by the submitters: PubMed 16629161.

NM_000096.4(CP):c.1149G>A (p.Trp383Ter)

Gene: CP (ceruloplasmin; minus strand). Cytogenetic location: 3q25.1.
Variant type: single nucleotide variant.
Coding change: c.1149G>A on transcript NM_000096.4 (MANE Select); coding-DNA position 1149, G replaced by A.
Protein change: p.Trp383Ter; replaces tryptophan 383 with a stop codon.
Molecular consequence: nonsense. On other transcripts: non-coding transcript variant (1).
Genome position (GRCh38, 1-based): chr3:149,206,227, C>T on the plus strand (G>A on the coding strand, the complement: CP is on the minus strand). VCF-style: chr3-149206227-C-T. GRCh37 (hg19) VCF-style: chr3-148924014-C-T.
Other names: short protein forms W383*.
Identifiers: ClinVar variation 1453045 (VCV001453045.6), dbSNP rs772867888, ClinGen allele CA354912850.